The following is an entry in ClinVar:

GRCh38/hg38 8q21.13(chr8:79794718-80975571)x1

Genes: LINC01607 (long independently transcribed non-coding RNA 1607; plus strand), LINC02986 (long independently transcribed non-coding RNA 2986; plus strand), MIR5708 (microRNA 5708; plus strand), MRPS28 (mitochondrial ribosomal protein S28; minus strand), PAG1 (phosphoprotein membrane anchor with glycosphingolipid microdomains 1; minus strand) and 41 more. Cytogenetic location: 8q21.13.
Variant type: copy number loss.
Change: copy number 1 (one copy instead of two) of chr8:79,794,718-80,975,571 (1.18 Mb, GRCh38 coordinates, 1-based), cytogenetic band 8q21.13.
Identifiers: ClinVar variation 4974747 (VCV004974747.1).

ClinVar aggregate classification (germline): Uncertain significance (1 of 4 stars; one submission).

Submission:

Clinical Genomics Laboratory, Laboratory for Precision Diagnostics, University of Washington
Classification: Uncertain significance. Last evaluated: 2024-05-17. Review status: criteria provided, single submitter. Criteria: ACMG/ClinGen CNV Guidelines, 2019. Collection method: clinical testing. Allele origin: unknown. Affected: yes. Observed: 1 variant allele.
Comment: It encompasses part or all of 5 protein-coding genes, none of which are known to cause medical problems in humans when one copy is deleted (haploinsufficiency). This is not a known haploinsufficient genomic region. No similar deletions appear in any of the public databases or in the medical literature. Thus the clinical significance of this deletion is uncertain.